The following is an entry in ClinVar:

NM_017780.4(CHD7):c.8209T>A (p.Ser2737Thr)

Gene: CHD7 (chromodomain helicase DNA binding protein 7; plus strand). Cytogenetic location: 8q12.2.
Variant type: single nucleotide variant.
Coding change: c.8209T>A on transcript NM_017780.4 (MANE Select); coding-DNA position 8209, T replaced by A.
Protein change: p.Ser2737Thr; replaces serine 2737 with threonine.
Molecular consequence: missense variant.
Genome position (GRCh38, 1-based): chr8:60,865,148, T>A. VCF-style: chr8-60865148-T-A. GRCh37 (hg19) VCF-style: chr8-61777707-T-A.
Other names: c.2062T>A, p.Ser688Thr (NM_001316690.1); short protein forms S2737T, S688T.
Identifiers: ClinVar variation 1715393 (VCV001715393.5), dbSNP rs2488143761, ClinGen allele CA371307732.

ClinVar aggregate classification (germline): Uncertain significance (1 of 4 stars; one submission).

Conditions:
CHARGE syndrome (CHARGE). Also called: Coloboma, heart anomaly, choanal atresia, retardation, genital and ear anomalies; CHARGE association; Hall-Hittner syndrome; Hittner Hirsch Kreh syndrome; CHARGE ASSOCIATION--COLOBOMA, HEART ANOMALY, CHOANAL ATRESIA, RETARDATION, GENITAL AND EAR ANOMALIES. Identifiers: Orphanet 138, MedGen C0265354, MONDO:0008965.

Submission:

Labcorp Genetics (formerly Invitae), Labcorp
Classification: Uncertain significance for CHARGE syndrome. Last evaluated: 2022-07-15. Review status: criteria provided, single submitter. Criteria: Invitae Variant Classification Sherloc (09022015). Collection method: clinical testing. Allele origin: germline.
Comment: In summary, the available evidence is currently insufficient to determine the role of this variant in disease. Therefore, it has been classified as a Variant of Uncertain Significance. Advanced modeling of protein sequence and biophysical properties (such as structural, functional, and spatial information, amino acid conservation, physicochemical variation, residue mobility, and thermodynamic stability) performed at Invitae indicates that this missense variant is not expected to disrupt CHD7 protein function. This variant has not been reported in the literature in individuals affected with CHD7-related conditions. This variant is not present in population databases (gnomAD no frequency). This sequence change replaces serine, which is neutral and polar, with threonine, which is neutral and polar, at codon 2737 of the CHD7 protein (p.Ser2737Thr).